The following is an entry in ClinVar:

ClinVar aggregate classification (germline): Likely benign (0 of 4 stars; one submission).

Conditions:
AGAP2-related disorder. Also called: AGAP2-related condition.

Allele frequency attached by ClinVar (database versions not stated): gnomAD exomes 0.00008; ExAC 0.00025; 1000 Genomes Project 0.00040; 1000 Genomes Project 30x 0.00047; gnomAD 0.00066; ESP Exome Variant Server 0.00069; TOPMed 0.00078.
gnomAD v4.1: 208 of 1,609,182 alleles (0.013%); highest among the groups gnomAD compares: African/African-American, 0.26%; no homozygotes.

Submission:

PreventionGenetics, part of Exact Sciences
Classification: Likely benign for AGAP2-related condition. Last evaluated: 2019-03-29. Review status: no assertion criteria provided. Collection method: clinical testing. Allele origin: germline.
Comment: This variant is classified as likely benign based on ACMG/AMP sequence variant interpretation guidelines (Richards et al. 2015 PMID: 25741868, with internal and published modifications).

NM_001122772.3(AGAP2):c.3288C>T (p.His1096=)

Genes: AGAP2 (ArfGAP with GTPase domain, ankyrin repeat and PH domain 2; minus strand), AGAP2-AS1 (AGAP2 antisense RNA 1; plus strand). Cytogenetic location: 12q14.1.
Variant type: single nucleotide variant.
Coding change: c.3288C>T on transcript NM_001122772.3 (MANE Select); coding-DNA position 3288, C replaced by T.
Protein change: p.His1096=; no amino-acid change (histidine 1096 retained).
Molecular consequence: synonymous variant. On other transcripts: non-coding transcript variant (1).
Genome position (GRCh38, 1-based): chr12:57,727,022, G>A on the plus strand (C>T on the coding strand, the complement: AGAP2 is on the minus strand). VCF-style: chr12-57727022-G-A. GRCh37 (hg19) VCF-style: chr12-58120805-G-A.
Other names: c.2220C>T, p.His740= (NM_014770.4).
Identifiers: ClinVar variation 3058699 (VCV003058699.2), dbSNP rs148957106, ClinGen allele CA6656624.